The following is an entry in ClinVar:

NM_000215.4(JAK3):c.307C>T (p.Arg103Cys)

Gene: JAK3 (Janus kinase 3; minus strand). Cytogenetic location: 19p13.11.
Variant type: single nucleotide variant.
Coding change: c.307C>T on transcript NM_000215.4 (MANE Select); coding-DNA position 307, C replaced by T.
Protein change: p.Arg103Cys; replaces arginine 103 with cysteine.
Molecular consequence: missense variant.
Genome position (GRCh38, 1-based): chr19:17,843,778, G>A on the plus strand (C>T on the coding strand, the complement: JAK3 is on the minus strand). VCF-style: chr19-17843778-G-A. GRCh37 (hg19) VCF-style: chr19-17954587-G-A.
Other names: NM_000215.4(JAK3):c.307C>T; p.Arg103Cys; short protein forms R103C.
Identifiers: ClinVar variation 384359 (VCV000384359.16), dbSNP rs761583890, ClinGen allele CA9302208.

ClinVar aggregate classification (germline): Likely pathogenic. Review status: reviewed by expert panel (3 of 4 stars). 5 submissions from 5 submitters: Likely pathogenic (1). 4 of the submissions do not count toward it. Last evaluated 2026-10-01.

Conditions:
T-B+ severe combined immunodeficiency due to JAK3 deficiency. Also called: SCID, autosomal recessive, T-negative/B-positive type; SCID, T CELL-NEGATIVE, B CELL-POSITIVE, NK CELL-NEGATIVE. Identifiers: Orphanet 35078, MedGen C1833275, MONDO:0010938, OMIM 600802.
Severe combined immunodeficiency disease. Also called: Severe Combined Immune Deficiency; Severe combined immunodeficiency. Identifiers: Orphanet 183660, MedGen C0085110, MeSH D016511, MONDO:0015974, HP:0004430. Inheritance: X-Linked or Autosomal recessive.

Allele frequency attached by ClinVar (database versions not stated): gnomAD exomes below 0.00001; ExAC 0.00001; gnomAD 0.00001; TOPMed 0.00001.
gnomAD v4.1: 7 of 1,613,204 alleles (0.00043%); highest among the groups gnomAD compares: East Asian, 0.0022%; no homozygotes.

Submissions (5):

ClinGen Severe Combined Immunodeficiency Variant Curation Expert Panel, ClinGen
Classification: Likely pathogenic for T-B+ severe combined immunodeficiency due to JAK3 deficiency. Last evaluated: 2026-10-01. Review status: reviewed by expert panel. Criteria: ClinGen SCID ACMG Specifications JAK3 V2.3. Collection method: curation. Allele origin: germline. Inheritance: Autosomal recessive inheritance.
Comment: The c.307C>T (p.Arg103Cys) variant in JAK3 gene, that encodes for Janus kinase 3, has been reported in in compound heterozygous status with Cys227Profs*49 which is classified as pathogenic by the VCEP, in 1 patient with T-B+NK- SCID (PMID: 34173127) [1 pt]. This variant has also been reported along with R445* (Phase unknown) which is classified as pathogenic by the VCEP, in 1 patient [P073] with T-B+ SCID [0.5 pt]. NK cell data not available (PMID: 28747913). In addition, this variant is reported in compound heterozygous status with c.421-6C>T which is a VUS, in 1 patient [P55] with SCID (PMID: 30778343) [0.25pt]. Total 2pts so PM3 met. This variant was found in a patient with T-B+NK- lymphocyte subset profile (PMID: 34173127) [0.5pt], in a patient whose diagnosis of Leaky/Atypical SCID was established (PMID: 30778343) [0.5pt] and in one patient whose Targeted gene panel testing was conducted using NGS and no alternative genetic explanation was found (PMID: 30778343) [1pt]. Total 1.5pts so PP4 met. The GrpMax filtering allele frequency of the European (Non-Finnish) population is 0.00000124 which is less than the threshold <0.000115 so PM2_supporting is met. Therefore, the c.307C>T (p.Arg103Cys) variant in JAK3 gene is classified as likely pathogenic, as per the ClinGen Severe Combined Immunodeficiency Disease Expert Panel Specifications to the ACMG/AMP Variant Interpretation Guidelines for JAK3 Version 2.3. Evidence: PM3_Strong, PP4, PM2_Supporting

GeneDx
Classification: Likely pathogenic. Last evaluated: 2026-09-03. Review status: criteria provided, single submitter. Criteria: GeneDx Variant Classification Process June 2021. Collection method: clinical testing. Allele origin: germline. Not counted in ClinVar's aggregate classification.
Comment: In silico analysis supports that this missense variant has a deleterious effect on protein structure/function; This variant is associated with the following publications: (PMID: 15575979, 21821710, 28747913, 34173127, 30778343, 35861108, 40811145, 35665479, 37344829)

Labcorp Genetics (formerly Invitae), Labcorp
Classification: Pathogenic for T-B+ severe combined immunodeficiency due to JAK3 deficiency. Last evaluated: 2025-08-09. Review status: criteria provided, single submitter. Criteria: Invitae Variant Classification Sherloc (09022015). Collection method: clinical testing. Allele origin: germline. Not counted in ClinVar's aggregate classification.
Comment: This sequence change replaces arginine, which is basic and polar, with cysteine, which is neutral and slightly polar, at codon 103 of the JAK3 protein (p.Arg103Cys). This variant is present in population databases (rs761583890, gnomAD 0.006%). This missense change has been observed in individual(s) with severe combined immunodeficiency (PMID: 28747913, 30778343, 34173127; internal data). In at least one individual the data is consistent with being in trans (on the opposite chromosome) from a pathogenic variant. ClinVar contains an entry for this variant (Variation ID: 384359). Invitae Evidence Modeling of protein sequence and biophysical properties (such as structural, functional, and spatial information, amino acid conservation, physicochemical variation, residue mobility, and thermodynamic stability) indicates that this missense variant is expected to disrupt JAK3 protein function with a positive predictive value of 95%. This variant disrupts the p.Arg103 amino acid residue in JAK3. Other variant(s) that disrupt this residue have been determined to be pathogenic (PMID: 26915675). This suggests that this residue is clinically significant, and that variants that disrupt this residue are likely to be disease-causing. For these reasons, this variant has been classified as Pathogenic.

Women's Health and Genetics/Laboratory Corporation of America, LabCorp
Classification: Likely pathogenic for Severe combined immunodeficiency disease. Last evaluated: 2025-06-20. Review status: criteria provided, single submitter. Criteria: LabCorp Variant Classification Summary - May 2015. Collection method: clinical testing. Allele origin: germline. Not counted in ClinVar's aggregate classification.
Comment: Variant summary: JAK3 c.307C>T (p.Arg103Cys) results in a non-conservative amino acid change in the encoded protein sequence. Algorithms developed to predict the effect of missense changes on protein structure and function all suggest that this variant is likely to be disruptive. The variant allele was found at a frequency of 4e-06 in 251170 control chromosomes. c.307C>T has been observed in individual(s) affected with Severe Combined Immunodeficiency. These data indicate that the variant may be associated with disease. To our knowledge, no experimental evidence demonstrating an impact on protein function has been reported. ClinVar contains an entry for this variant (Variation ID: 384359). Based on the evidence outlined above, the variant was classified as likely pathogenic.

Genomic Medicine Center of Excellence, King Faisal Specialist Hospital and Research Centre
Classification: Pathogenic for T-B+ severe combined immunodeficiency due to JAK3 deficiency. Last evaluated: 2023-05-08. Review status: criteria provided, single submitter. Criteria: ACMG Guidelines, 2015. Collection method: research. Allele origin: germline. Affected: yes. Not counted in ClinVar's aggregate classification.

Literature cited by the submitters: PubMed 28747913 (cited by Labcorp Genetics (formerly Invitae), Labcorp and Women's Health and Genetics/Laboratory Corporation of America, LabCorp); PubMed 30778343 (cited by Labcorp Genetics (formerly Invitae), Labcorp and Women's Health and Genetics/Laboratory Corporation of America, LabCorp); PubMed 34173127 (cited by Labcorp Genetics (formerly Invitae), Labcorp); PubMed 26915675 (cited by Labcorp Genetics (formerly Invitae), Labcorp); PubMed 37344829 (cited by Women's Health and Genetics/Laboratory Corporation of America, LabCorp).